The following is an entry in ClinVar:

NC_000011.10:g.5227153C>A

Genes: HBB (hemoglobin subunit beta; minus strand), LOC106099062 (HBB recombination region; plus strand), LOC107133510 (origin of replication at HBB; plus strand). Cytogenetic location: 11p15.4.
Variant type: single nucleotide variant.
Genome position: GRCh38 VCF-style: chr11-5227153-C-A. GRCh37 (hg19) VCF-style: chr11-5248383-C-A.
Other names: c.-132G>T (NM_000518.5).
Identifiers: ClinVar variation 987863 (VCV000987863.12), dbSNP rs887821047, ClinGen allele CA217115816.

ClinVar aggregate classification (germline): Conflicting classifications of pathogenicity. Review status: criteria provided, conflicting classifications (1 of 4 stars). 2 submissions from 2 submitters: Uncertain significance (1); Likely benign (1). Last evaluated 2026-02-04.

Allele frequency attached by ClinVar (database versions not stated): gnomAD 0.00009 and 0.00007; TOPMed 0.00011; gnomAD exomes 0.00002.

Submissions (2):

Women's Health and Genetics/Laboratory Corporation of America, LabCorp
Classification: Uncertain significance. Last evaluated: 2026-02-04. Review status: criteria provided, single submitter. Criteria: LabCorp Variant Classification Summary - May 2015. Collection method: clinical testing. Allele origin: germline.
Comment: Variant summary: HBB c.-132G>T is located in the untranscribed region upstream of the HBB gene region. Consensus agreement among computation tools predict no significant impact on normal splicing. However, these predictions have yet to be confirmed by functional studies. The variant allele was found at a frequency of 3.1e-05 in 716060 control chromosomes. This frequency is not significantly higher than estimated for disease-causing variants in HBB, allowing no conclusion about variant significance. To our knowledge, no occurrence of c.-132G>T in individuals affected with HBB-related conditions and no experimental evidence demonstrating its impact on protein function have been reported. ClinVar contains an entry for this variant (Variation ID: 987863). Based on the evidence outlined above, the variant was classified as uncertain significance.

ARUP Laboratories, Molecular Genetics and Genomics, ARUP Laboratories
Classification: Likely benign. Last evaluated: 2019-08-16. Review status: criteria provided, single submitter. Criteria: ARUP Molecular Germline Variant Investigation Process. Collection method: clinical testing. Allele origin: germline.